The following is an entry in ClinVar:

ClinVar aggregate classification (germline): Pathogenic. Review status: criteria provided, multiple submitters, no conflicts (2 of 4 stars). 2 submissions from 2 submitters: Pathogenic (2). Last evaluated 2023-08-22.

Conditions:
Hereditary cancer-predisposing syndrome. Also called: Neoplastic Syndromes, Hereditary; Tumor predisposition; Hereditary Cancer Syndrome; Hereditary neoplastic syndrome. Identifiers: Orphanet 140162, MedGen C0027672, MeSH D009386, MONDO:0015356.
Lynch syndrome 5 (LYNCH5). Also called: Hereditary non-polyposis colorectal cancer, type 5; Colorectal cancer, hereditary nonpolyposis, type 5. Identifiers: Orphanet 144, MedGen C1833477, MONDO:0013710, OMIM 614350. Disease mechanism: loss of function.

Submissions (2):

Myriad Genetics, Inc.
Classification: Pathogenic for Lynch syndrome 5. Last evaluated: 2023-08-22. Review status: criteria provided, single submitter. Criteria: Myriad Autosomal Dominant, Autosomal Recessive and X-Linked Classification Criteria (2023). Collection method: clinical testing. Allele origin: unknown.
Comment: This variant is considered pathogenic. This variant creates a frameshift predicted to result in premature protein truncation.

Ambry Genetics
Classification: Pathogenic for Hereditary cancer-predisposing syndrome. Last evaluated: 2022-07-19. Review status: criteria provided, single submitter. Criteria: Ambry Variant Classification Scheme 2023. Collection method: clinical testing. Allele origin: germline.
Comment: The c.3260_3261delCC pathogenic mutation, located in coding exon 5 of the MSH6 gene, results from a deletion of two nucleotides at nucleotide positions 3260 to 3261, causing a translational frameshift with a predicted alternate stop codon (p.P1087Lfs*5). This alteration is expected to result in loss of function by premature protein truncation or nonsense-mediated mRNA decay. As such, this alteration is interpreted as a disease-causing mutation.

NM_000179.3(MSH6):c.3260_3261del (p.Pro1087fs)

Gene: MSH6 (mutS homolog 6; plus strand). Cytogenetic location: 2p16.3.
Variant type: Deletion.
Coding change: c.3260_3261del on transcript NM_000179.3 (MANE Select); coding-DNA positions 3260 to 3261, 2 bases deleted (CC; older notation c.3260_3261delCC).
Protein change: p.Pro1087fs; shifts the reading frame from proline 1087.
Molecular consequence: frameshift variant.
Genome position (GRCh38, 1-based): chr2:47,803,507-47,803,508, CC deleted; deleting any 2 consecutive bases within chr2:47,803,501-47,803,508 gives the same sequence; the c. name uses the placement nearest the transcript's 3' end. VCF-style (leftmost placement, unchanged base first): chr2-47803500-ACC-A. GRCh37 (hg19) VCF-style: chr2-48030639-ACC-A.
Other names: c.2870_2871del, p.Pro957fs (NM_001281492.2); c.2354_2355del, p.Pro785fs (NM_001281493.2, NM_001281494.2); c.3356_3357delCC, p.Pro1119Leufs (NM_001406795.1, NM_001406802.1); c.3260_3261delCC, p.Pro1087Leufs (NM_001406796.1, NM_001406800.1, NM_001406808.1 and 1 more transcripts); c.2963_2964delCC, p.Pro988Leufs (NM_001406797.1, NM_001406801.1, NM_001406805.1 and 10 more transcripts); c.2735_2736delCC, p.Pro912Leufs (NM_001406799.1, NM_001406806.1, NM_001406807.1); c.2396_2397delCC, p.Pro799Leufs (NM_001406803.1); c.3182_3183delCC, p.Pro1061Leufs (NM_001406804.1); and 7 more; short protein forms P785fs, P957fs, P1087fs.
Identifiers: ClinVar variation 1729526 (VCV001729526.3), dbSNP rs267608078, ClinGen allele CA1139770405.
Genomic context (GRCh38, chr2:47,803,500, plus strand): 5'-AACTATAGTCGAGGGGGTGATGGTCCTATGTGTCGCCCAGTAATTCTGTTGCCGGAAGAT[ACC>A]CCCCCCTTCTTAGAGCTTAAAGGATCACGCCATCCTTGCATTACGAAGACTTTTTTTGGA-3'